The following is an entry in ClinVar:

NM_002529.4(NTRK1):c.1215A>G (p.Gly405=)

Gene: NTRK1 (neurotrophic receptor tyrosine kinase 1; plus strand). Cytogenetic location: 1q23.1.
Variant type: single nucleotide variant.
Coding change: c.1215A>G on transcript NM_002529.4 (MANE Select); coding-DNA position 1215, A replaced by G.
Protein change: p.Gly405=; no amino-acid change (glycine 405 retained).
Molecular consequence: synonymous variant.
Genome position (GRCh38, 1-based): chr1:156,874,590, A>G. VCF-style: chr1-156874590-A-G. GRCh37 (hg19) VCF-style: chr1-156844382-A-G.
Other names: c.1215A>G (NM_002529.3); c.1107A>G, p.Gly369= (NM_001007792.1); c.1197A>G, p.Gly399= (NM_001012331.2).
Identifiers: ClinVar variation 1113105 (VCV001113105.10), dbSNP rs375382480, ClinGen allele CA1169247.

ClinVar aggregate classification (germline): Likely benign. Review status: criteria provided, multiple submitters, no conflicts (2 of 4 stars). 2 submissions from 2 submitters: Likely benign (2). Last evaluated 2026-01-22.

Conditions:
NTRK1-related disorder. Also called: NTRK1-related condition.
Hereditary insensitivity to pain with anhidrosis (CIPA). Also called: FAMILIAL DYSAUTONOMIA, TYPE II; HSAN Type IV; hereditary sensory and autonomic neuropathy type 4; NEUROPATHY, CONGENITAL SENSORY, WITH ANHIDROSIS; NTRK1 Congenital Insensitivity to Pain with Anhidrosis; INSENSITIVITY TO PAIN, CONGENITAL, WITH ANHIDROSIS. Identifiers: Orphanet 642, MedGen C0020074, MONDO:0009746, OMIM 256800.

Allele frequency attached by ClinVar (database versions not stated): gnomAD exomes below 0.00001 and 0.00002; ExAC 0.00001; ESP Exome Variant Server 0.00008.

Submissions (2):

PreventionGenetics, part of Exact Sciences
Classification: Likely benign for NTRK1-related condition. Last evaluated: 2026-01-22. Review status: criteria provided, single submitter. Criteria: ACMG Guidelines, 2015. Collection method: clinical testing. Allele origin: germline.
Comment: This variant is classified as likely benign based on ACMG/AMP sequence variant interpretation guidelines (Richards et al. 2015 PMID: 25741868, with internal and published modifications).

Labcorp Genetics (formerly Invitae), Labcorp
Classification: Likely benign for Hereditary insensitivity to pain with anhidrosis. Last evaluated: 2025-12-28. Review status: criteria provided, single submitter. Criteria: Invitae Variant Classification Sherloc (09022015). Collection method: clinical testing. Allele origin: germline.